The following is an entry in ClinVar:

NM_006059.4(LAMC3):c.877C>T (p.Gln293Ter)

Gene: LAMC3 (laminin subunit gamma 3; plus strand). Cytogenetic location: 9q34.12.
Variant type: single nucleotide variant.
Coding change: c.877C>T on transcript NM_006059.4 (MANE Select); coding-DNA position 877, C replaced by T.
Protein change: p.Gln293Ter; replaces glutamine 293 with a stop codon.
Molecular consequence: nonsense.
Genome position (GRCh38, 1-based): chr9:131,036,233, C>T. VCF-style: chr9-131036233-C-T. GRCh37 (hg19) VCF-style: chr9-133911620-C-T.
Other names: short protein forms Q293*.
Identifiers: ClinVar variation 1452042 (VCV001452042.6), dbSNP rs1833941275, ClinGen allele CA375256571.
Genomic context (GRCh38, chr9:131,036,233, plus strand): 5'-TGCAACGGGCATGCCAGCGAGTGCGGCCCCGACGTGGCAGGCCAGTTGGCCTGCCGGTGC[C>T]AGCACAACACCACCGGCACAGACTGTGAGCGCTGCCTGCCCTTCTTCCAGGACCGCCCGT-3'

ClinVar aggregate classification (germline): Pathogenic (1 of 4 stars; one submission).

Submission:

Labcorp Genetics (formerly Invitae), Labcorp
Classification: Pathogenic. Last evaluated: 2021-09-09. Review status: criteria provided, single submitter. Criteria: Invitae Variant Classification Sherloc (09022015). Collection method: clinical testing. Allele origin: germline.
Comment: For these reasons, this variant has been classified as Pathogenic. This variant has not been reported in the literature in individuals affected with LAMC3-related conditions. This variant is not present in population databases (ExAC no frequency). This sequence change creates a premature translational stop signal (p.Gln293*) in the LAMC3 gene. It is expected to result in an absent or disrupted protein product. Loss-of-function variants in LAMC3 are known to be pathogenic (PMID: 21572413, 26802095).

Literature cited by the submitters: PubMed 21572413; PubMed 26802095.